The following is an entry in ClinVar:

ClinVar aggregate classification (germline): Pathogenic. Review status: reviewed by expert panel (3 of 4 stars). 3 submissions from 3 submitters: Pathogenic (1). 2 of the submissions do not count toward it. Last evaluated 2023-06-01.

Conditions:
Glanzmann thrombasthenia. Also called: BLEEDING DISORDER, PLATELET-TYPE, 2; THROMBASTHENIA OF GLANZMANN AND NAEGELI; Thrombasthenia; PLATELET GLYCOPROTEIN IIb-IIIa DEFICIENCY; Glanzmann's thrombasthenia. Identifiers: Orphanet 849, MedGen C0040015, MONDO:0100326.

Submissions (3):

ClinGen Platelet Disorders Variant Curation Expert Panel, ClinGen
Classification: Pathogenic for Glanzmann thrombasthenia. Last evaluated: 2023-06-01. Review status: reviewed by expert panel. Criteria: ClinGen Platelet ACMG Specifications v2-1. Collection method: curation. Allele origin: germline. Inheritance: Autosomal recessive inheritance.
Comment: The variant NM_000212.3(ITGB3):c.1409dup (p.Asn470LysfsTer2) is a frameshift variant found in exon 10, predicted to cause a premature stop codon in biologically-relevant-exon 10/15 (PVS1). The variant has been detected in at least 1 proband with Glanzmann Thrombasthenia (GT-1, PMID: 23300803). This individual was compound heterozgous for this frameshift variant and likely pathogenic variant NM_000212.3(ITGB3):c.392G>C (p.Arg131Pro) (PM3). Finally, this variant was absent from gnomAD v2.1.1 (PM2_supporting). In summary, this variant meets the criteria to be classified as Pathogenic for autosomal recessive Glanzmann Thrombasthenia based on the ACMG/AMP criteria applied, as specified by the ClinGen PD VCEP: PM2_supporting, PM3, PVS1 (VCEP specifications version 2).

Labcorp Genetics (formerly Invitae), Labcorp
Classification: Pathogenic. Last evaluated: 2024-01-04. Review status: criteria provided, single submitter. Criteria: Invitae Variant Classification Sherloc (09022015). Collection method: clinical testing. Allele origin: germline. Not counted in ClinVar's aggregate classification.
Comment: This sequence change creates a premature translational stop signal (p.Asn470Lysfs*2) in the ITGB3 gene. It is expected to result in an absent or disrupted protein product. Loss-of-function variants in ITGB3 are known to be pathogenic (PMID: 21917754). This variant is not present in population databases (gnomAD no frequency). This premature translational stop signal has been observed in individual(s) with ITGB3-related conditions (PMID: 18070277, 23300803, 31064749). This variant is also known as [N470S471]/ [K471stop]. ClinVar contains an entry for this variant (Variation ID: 627234). For these reasons, this variant has been classified as Pathogenic.

NIHR Bioresource Rare Diseases, University of Cambridge
Classification: Pathogenic for Glanzmann thrombasthenia 1. Last evaluated: 2019-02-01. Review status: criteria provided, single submitter. Criteria: ACMG Guidelines, 2015. Collection method: research. Allele origin: unknown. Affected: yes. Observed: 1 homozygote. Study: ThromboGenomics. Not counted in ClinVar's aggregate classification.

Literature cited by the submitters: PubMed 21917754 (cited by Labcorp Genetics (formerly Invitae), Labcorp); PubMed 18070277 (cited by Labcorp Genetics (formerly Invitae), Labcorp); PubMed 23300803 (cited by Labcorp Genetics (formerly Invitae), Labcorp); PubMed 31064749 (cited by Labcorp Genetics (formerly Invitae), Labcorp and NIHR Bioresource Rare Diseases, University of Cambridge).

NM_000212.3(ITGB3):c.1409dup (p.Asn470fs)

Gene: ITGB3 (integrin subunit beta 3; plus strand). Cytogenetic location: 17q21.32.
Variant type: Duplication.
Coding change: c.1409dup on transcript NM_000212.3 (MANE Select); coding-DNA position 1409, one base duplicated (A; older notation c.1409dupA).
Protein change: p.Asn470fs; shifts the reading frame from asparagine 470.
Molecular consequence: frameshift variant.
Genome position (GRCh38, 1-based): chr17:47,292,287, A duplicated; the last of 2 consecutive A bases (chr17:47,292,286-47,292,287); duplicating either gives the same sequence. VCF-style (leftmost placement, unchanged base first): chr17-47292285-T-TA. GRCh37 (hg19) VCF-style: chr17-45369651-T-TA.
Other names: NM_000212.3(ITGB3):c.1409dup; p.Asn470fs; c.1409dupA (NM_000212.2); short protein forms N470fs.
Identifiers: ClinVar variation 627234 (VCV000627234.5), dbSNP rs1386425657, ClinGen allele CA500651166.